The following is an entry in ClinVar:

NM_001353694.2(TIAM1):c.529C>T (p.Arg177Trp)

Gene: TIAM1 (TIAM Rac1 associated GEF 1; minus strand). Cytogenetic location: 21q22.11.
Variant type: single nucleotide variant.
Coding change: c.529C>T on transcript NM_001353694.2 (MANE Select); coding-DNA position 529, C replaced by T.
Protein change: p.Arg177Trp; replaces arginine 177 with tryptophan.
Molecular consequence: missense variant.
Genome position (GRCh38, 1-based): chr21:31,266,444, G>A on the plus strand (C>T on the coding strand, the complement: TIAM1 is on the minus strand). VCF-style: chr21-31266444-G-A. GRCh37 (hg19) VCF-style: chr21-32638760-G-A.
Other names: c.529C>T, p.Arg177Trp (NM_001353687.2, NM_001353688.1, NM_001353689.1 and 6 more transcripts); short protein forms R177W.
Identifiers: ClinVar variation 4279884 (VCV004279884.1).

ClinVar aggregate classification (germline): Uncertain significance (1 of 4 stars; one submission).

Conditions:
Neurodevelopmental disorder with language delay and seizures (NEDLDS). Identifiers: MedGen C5676998, MONDO:0859256, OMIM 619908.

gnomAD v4.1: 23 of 1,614,042 alleles (0.0014%); highest among the groups gnomAD compares: East Asian, 0.0067%; no homozygotes.

Submission:

Clinical Genomics Laboratory, Washington University in St. Louis
Classification: Uncertain significance for Neurodevelopmental disorder with language delay and seizures. Last evaluated: 2025-01-21. Review status: criteria provided, single submitter. Criteria: ACMG Guidelines, 2015. Collection method: clinical testing. Allele origin: germline.
Comment: The TIAM1 c.529C>T (p.Arg177Trp) variant, to our knowledge, has not been reported in the medical literature. This variant is only observed in 3 out of 251,450 alleles in the general population (gnomAD v.2.1.1), indicating it is not a common variant. Computational predictors are uncertain as to the impact of this variant on TIAM1 function. Due to limited information, and based on ACMG/AMP guidelines for variant interpretation (Richards S et al., PMID: 25741868), the clinical significance of this variant is uncertain at this time.